The following is an entry in ClinVar:

ClinVar aggregate classification (germline): Uncertain significance (1 of 4 stars; one submission).

Submission:

Labcorp Genetics (formerly Invitae), Labcorp
Classification: Uncertain significance. Last evaluated: 2025-12-01. Review status: criteria provided, single submitter. Criteria: Invitae Variant Classification Sherloc (09022015). Collection method: clinical testing. Allele origin: germline.
Comment: This sequence change replaces methionine, which is neutral and non-polar, with threonine, which is neutral and polar, at codon 1213 of the FOCAD protein (p.Met1213Thr). This variant is present in population databases (rs199890434, gnomAD 0.03%). This variant has not been reported in the literature in individuals affected with FOCAD-related conditions. Experimental studies and prediction algorithms are not available or were not evaluated, and the functional significance of this variant is currently unknown. In summary, the available evidence is currently insufficient to determine the role of this variant in disease. Therefore, it has been classified as a Variant of Uncertain Significance.

NM_001375567.1(FOCAD):c.3638T>C (p.Met1213Thr)

Gene: FOCAD (focadhesin; plus strand). Cytogenetic location: 9p21.3.
Variant type: single nucleotide variant.
Coding change: c.3638T>C on transcript NM_001375567.1 (MANE Select); coding-DNA position 3638, T replaced by C.
Protein change: p.Met1213Thr; replaces methionine 1213 with threonine.
Molecular consequence: missense variant.
Genome position (GRCh38, 1-based): chr9:20,946,783, T>C. VCF-style: chr9-20946783-T-C. GRCh37 (hg19) VCF-style: chr9-20946782-T-C.
Other names: c.3533T>C, p.Met1178Thr (NM_001375568.1, NM_001375570.1); c.3638T>C, p.Met1213Thr (NM_017794.5); short protein forms M1178T, M1213T.
Identifiers: ClinVar variation 4798778 (VCV004798778.1).